The following is an entry in ClinVar:

NM_178822.5(IGSF10):c.5104G>T (p.Val1702Phe)

Gene: IGSF10 (immunoglobulin superfamily member 10; minus strand). Cytogenetic location: 3q25.1.
Variant type: single nucleotide variant.
Coding change: c.5104G>T on transcript NM_178822.5 (MANE Select); coding-DNA position 5104, G replaced by T.
Protein change: p.Val1702Phe; replaces valine 1702 with phenylalanine.
Molecular consequence: missense variant.
Genome position (GRCh38, 1-based): chr3:151,443,843, C>A on the plus strand (G>T on the coding strand, the complement: IGSF10 is on the minus strand). VCF-style: chr3-151443843-C-A. GRCh37 (hg19) VCF-style: chr3-151161631-C-A.
Other names: c.5104G>T, p.Val1702Phe (NM_001385060.1, NM_001385061.1, NM_001385062.1 and 1 more transcripts); short protein forms V1702F.
Identifiers: ClinVar variation 4762174 (VCV004762174.1).

ClinVar aggregate classification (germline): Uncertain significance (1 of 4 stars; one submission).

gnomAD v4.1: 11 of 1,613,282 alleles (0.00068%); highest among the groups gnomAD compares: African/African-American, 0.0027%; no homozygotes.

Submission:

Labcorp Genetics (formerly Invitae), Labcorp
Classification: Uncertain significance. Last evaluated: 2025-06-30. Review status: criteria provided, single submitter. Criteria: Invitae Variant Classification Sherloc (09022015). Collection method: clinical testing. Allele origin: germline.
Comment: This sequence change replaces valine, which is neutral and non-polar, with phenylalanine, which is neutral and non-polar, at codon 1702 of the IGSF10 protein (p.Val1702Phe). This variant is not present in population databases (gnomAD no frequency). This variant has not been reported in the literature in individuals affected with IGSF10-related conditions. An algorithm developed to predict the effect of missense changes on protein structure and function (PolyPhen-2) suggests that this variant is likely to be disruptive. In summary, the available evidence is currently insufficient to determine the role of this variant in disease. Therefore, it has been classified as a Variant of Uncertain Significance.